The following is an entry in ClinVar:

ClinVar aggregate classification (germline): Likely benign. Review status: criteria provided, multiple submitters, no conflicts (2 of 4 stars). 4 submissions from 4 submitters: Likely benign (4). Last evaluated 2026-01-18.

Conditions:
Renal coloboma syndrome (PAPRS). Also called: PAPILLORENAL SYNDROME; COLOBOMA OF OPTIC NERVE WITH RENAL DISEASE; OPTIC COLOBOMA, VESICOURETERAL REFLUX, AND RENAL ANOMALIES; OPTIC NERVE COLOBOMA WITH RENAL DISEASE; RENAL-COLOBOMA SYNDROME WITH MACULAR ABNORMALITIES; PAPILLORENAL SYNDROME WITH MILD OCULAR ABNORMALITIES. Identifiers: Orphanet 1475, MedGen C1852759, MONDO:0007352, OMIM 120330.
Focal segmental glomerulosclerosis 7 (FSGS7). Identifiers: Orphanet 656, MedGen C4014925, MONDO:0014451, OMIM 616002.
PAX2-Related Disorder. Also called: PAX2-related disorders. Identifiers: MedGen CN381309.

Allele frequency attached by ClinVar (database versions not stated): gnomAD exomes 0.00003 and 0.00007; ExAC 0.00012; 1000 Genomes Project 30x 0.00016; gnomAD 0.00016 and 0.00017; 1000 Genomes Project 0.00020; TOPMed 0.00022.
gnomAD v4.1: 73 of 1,566,586 alleles (0.0047%); highest among the groups gnomAD compares: African/African-American, 0.074%; no homozygotes.

Submissions (4):

Labcorp Genetics (formerly Invitae), Labcorp
Classification: Likely benign for Renal coloboma syndrome; Focal segmental glomerulosclerosis 7. Last evaluated: 2026-01-18. Review status: criteria provided, single submitter. Criteria: Invitae Variant Classification Sherloc (09022015). Collection method: clinical testing. Allele origin: germline.

PreventionGenetics, part of Exact Sciences
Classification: Likely benign for PAX2-related condition. Last evaluated: 2025-10-08. Review status: criteria provided, single submitter. Criteria: ACMG Guidelines, 2015. Collection method: clinical testing. Allele origin: germline.
Comment: This variant is classified as likely benign based on ACMG/AMP sequence variant interpretation guidelines (Richards et al. 2015 PMID: 25741868, with internal and published modifications).

Blueprint Genetics
Classification: Likely benign. Last evaluated: 2023-06-01. Review status: criteria provided, single submitter. Criteria: ACMG Guidelines, 2015. Collection method: clinical testing. Allele origin: germline.

Fulgent Genetics
Classification: Likely benign for Renal coloboma syndrome; Focal segmental glomerulosclerosis 7. Last evaluated: 2022-05-07. Review status: criteria provided, single submitter. Criteria: ACMG Guidelines, 2015. Collection method: clinical testing. Allele origin: unknown.

NM_000278.5(PAX2):c.496+9G>T

Gene: PAX2 (paired box 2; plus strand). Cytogenetic location: 10q24.31.
Variant type: single nucleotide variant.
Coding change: c.496+9G>T on transcript NM_000278.5 (MANE Select); 9 bases into the intron after coding-DNA position 496, G replaced by T.
Molecular consequence: intron variant.
Genome position (GRCh38, 1-based): chr10:100,779,592, G>T. VCF-style: chr10-100779592-G-T. GRCh37 (hg19) VCF-style: chr10-102539349-G-T.
Other names: c.589+9G>T (NM_001304569.2); c.496+9G>T (NM_003987.5, NM_003990.5, NM_003988.5 and 2 more transcripts).
Identifiers: ClinVar variation 1090718 (VCV001090718.12), dbSNP rs577483360, ClinGen allele CA5650737.